The following is an entry in ClinVar:

ClinVar aggregate classification (germline): Benign. Review status: criteria provided, multiple submitters, no conflicts (2 of 4 stars). 4 submissions from 3 submitters: Benign (4). Last evaluated 2018-07-06.

Conditions:
Leukodystrophy, hypomyelinating, 6. Also called: LEUKODYSTROPHY, HYPOMYELINATING, WITH ATROPHY OF THE BASAL GANGLIA AND CEREBELLUM; TUBB4A-Associated Leukodystrophy; Hypomyelination with Atrophy of Basal Ganglia and Cerebellum (H-ABC). Identifiers: Orphanet 139441, MedGen C2676244, MONDO:0012905, OMIM 612438.
Torsion dystonia 4. Also called: DYT-TUBB4A (Autosomal Dominant Torsion Dystonia); DYSTONIA MUSCULORUM DEFORMANS 4. Identifiers: Orphanet 98805, MedGen C1851943, MONDO:0007493, OMIM 128101.

Allele frequency attached by ClinVar (database versions not stated): gnomAD 0.06110 and 0.06423; TOPMed 0.06341; 1000 Genomes Project 30x 0.09463; 1000 Genomes Project 0.09744.

Submissions (4):

GeneDx
Classification: Benign. Last evaluated: 2018-07-06. Review status: criteria provided, single submitter. Criteria: GeneDx Variant Classification Process June 2021. Collection method: clinical testing. Allele origin: germline. Affected: yes.

Illumina Laboratory Services, Illumina
Classification: Benign for Torsion dystonia 4. Last evaluated: 2017-04-27. Review status: criteria provided, single submitter. Criteria: ICSL Variant Classification Criteria 13 December 2019. Collection method: clinical testing. Allele origin: germline.
Comment: This variant was observed as part of a predisposition screen in an ostensibly healthy population. A literature search was performed for the gene, cDNA change, and amino acid change (where applicable). No publications were found based on this search. Allele frequency data from public databases was too high to be consistent with this variant causing disease. Therefore, this variant is classified as benign.

Illumina Laboratory Services, Illumina
Classification: Benign for Leukodystrophy, hypomyelinating, 6. Last evaluated: 2017-04-27. Review status: criteria provided, single submitter. Criteria: ICSL Variant Classification Criteria 13 December 2019. Collection method: clinical testing. Allele origin: germline.
Comment: the same text as in the submission from Illumina Laboratory Services, Illumina above.

Breakthrough Genomics
Classification: Benign. Review status: criteria provided, single submitter. Criteria: ACMG Guidelines, 2015. Collection method: not provided. Allele origin: germline. Inheritance: Autosomal dominant inheritance. Affected: yes.

NM_006087.4(TUBB4A):c.*96C>G

Gene: TUBB4A (tubulin beta 4A class IVa; minus strand). Cytogenetic location: 19p13.3.
Variant type: single nucleotide variant.
Coding change: c.*96C>G on transcript NM_006087.4 (MANE Select); 96 bases downstream of the stop codon, C replaced by G.
Molecular consequence: 3 prime UTR variant.
Genome position (GRCh38, 1-based): chr19:6,495,068, G>C on the plus strand (C>G on the coding strand, the complement: TUBB4A is on the minus strand). VCF-style: chr19-6495068-G-C. GRCh37 (hg19) VCF-style: chr19-6495079-G-C.
Other names: c.*96C>G (NM_001289123.2, NM_001289127.2, NM_001289129.2 and 2 more transcripts).
Identifiers: ClinVar variation 330258 (VCV000330258.7), dbSNP rs449824, ClinGen allele CA10649172.